The following is an entry in ClinVar:

NM_004408.4(DNM1):c.358A>G (p.Ile120Val)

Genes: DNM1 (dynamin 1; plus strand), LOC113839516 (Sharpr-MPRA regulatory region 8497; plus strand). Cytogenetic location: 9q34.11.
Variant type: single nucleotide variant.
Coding change: c.358A>G on transcript NM_004408.4 (MANE Select); coding-DNA position 358, A replaced by G.
Protein change: p.Ile120Val; replaces isoleucine 120 with valine.
Molecular consequence: missense variant.
Genome position (GRCh38, 1-based): chr9:128,218,704, A>G. VCF-style: chr9-128218704-A-G. GRCh37 (hg19) VCF-style: chr9-130980983-A-G.
Other names: c.358A>G, p.Ile120Val (NM_001005336.3, NM_001288737.2, NM_001288738.2 and 1 more transcripts); short protein forms I120V.
Identifiers: ClinVar variation 377330 (VCV000377330.12), dbSNP rs1057520197, ClinGen allele CA16603343.
Genomic context (GRCh38, chr9:128,218,704, plus strand): 5'-GAGATCGAGGCCGAGACCGACAGGGTCACCGGCACCAACAAGGGCATCTCGCCGGTGCCT[A>G]TCAACCTCCGCGTCTACTCGCCGCACGGTGAGGACCCTGGCCCCGCCCTAACCTCTAAGA-3'
Protein context (NP_004399.2, residues 110-130): GTNKGISPVP[Ile120Val]NLRVYSPHVL

ClinVar aggregate classification (germline): Uncertain significance. Review status: criteria provided, multiple submitters, no conflicts (2 of 4 stars). 3 submissions from 3 submitters: Uncertain significance (3). Last evaluated 2025-12-01.

Conditions:
Developmental and epileptic encephalopathy, 31A. Also called: Epileptic encephalopathy, early infantile, 31; Developmental and epileptic encephalopathy, 31. Identifiers: Orphanet 2382, MedGen C4225357, MONDO:0014598, OMIM 616346.

Allele frequency attached by ClinVar (database versions not stated): gnomAD 0.00001; gnomAD exomes 0.00002; TOPMed 0.00002.
gnomAD v4.1: 28 of 1,607,314 alleles (0.0017%); highest among the groups gnomAD compares: East Asian, 0.0022%; no homozygotes.

Submissions (3):

Labcorp Genetics (formerly Invitae), Labcorp
Classification: Uncertain significance for Developmental and epileptic encephalopathy, 31A. Last evaluated: 2025-12-01. Review status: criteria provided, single submitter. Criteria: Invitae Variant Classification Sherloc (09022015). Collection method: clinical testing. Allele origin: germline.
Comment: This sequence change replaces isoleucine, which is neutral and non-polar, with valine, which is neutral and non-polar, at codon 120 of the DNM1 protein (p.Ile120Val). This variant is present in population databases (no rsID available, gnomAD 0.01%). This variant has not been reported in the literature in individuals affected with DNM1-related conditions. ClinVar contains an entry for this variant (Variation ID: 377330). Invitae Evidence Modeling of protein sequence and biophysical properties (such as structural, functional, and spatial information, amino acid conservation, physicochemical variation, residue mobility, and thermodynamic stability) indicates that this missense variant is expected to disrupt DNM1 protein function with a positive predictive value of 80%. In summary, the available evidence is currently insufficient to determine the role of this variant in disease. Therefore, it has been classified as a Variant of Uncertain Significance.

GeneDx
Classification: Uncertain significance. Last evaluated: 2018-05-21. Review status: criteria provided, single submitter. Criteria: GeneDx Variant Classification (06012015). Collection method: clinical testing. Allele origin: germline. Affected: yes.
Comment: A variant of uncertain significance has been identified in the DNM1 gene. The I120V variant has not been published as a pathogenic variant, nor has it been reported as a benign variant to our knowledge. The I120V variant is observed in 1/8704 (0.01%) alleles from individuals of African background in large population cohorts (Lek et al., 2016). The I120V variant is a conservative amino acid substitution, which is not likely to impact secondary protein structure as these residues share similar properties. In-silico analyses, including protein predictors and evolutionary conservation, support that this variant does not alter protein structure/function. Based on the currently available information, it is unclear whether this variant is a pathogenic variant or a rare benign variant.

Center for Pediatric Genomic Medicine, Children's Mercy Hospital and Clinics
Classification: Uncertain significance. Last evaluated: 2016-11-07. Review status: criteria provided, single submitter. Criteria: ACMG Guidelines, 2015. Collection method: clinical testing. Allele origin: germline.
ClinVar note: Converted during submission from Uncertain Significance to Uncertain significance.